The following is an entry in ClinVar:

ClinVar aggregate classification (germline): Conflicting classifications of pathogenicity. Review status: criteria provided, conflicting classifications (1 of 4 stars). 4 submissions from 4 submitters: Uncertain significance (3); Likely benign (1). Last evaluated 2025-01-06.

Conditions:
Hereditary cancer-predisposing syndrome. Also called: Hereditary Cancer Syndrome; Neoplastic Syndromes, Hereditary; Tumor predisposition; Hereditary neoplastic syndrome. Identifiers: Orphanet 140162, MedGen C0027672, MeSH D009386, MONDO:0015356.
Lynch syndrome 5 (LYNCH5). Also called: Colorectal cancer, hereditary nonpolyposis, type 5; Hereditary non-polyposis colorectal cancer, type 5. Identifiers: Orphanet 144, MedGen C1833477, MONDO:0013710, OMIM 614350. Disease mechanism: loss of function.
Lynch syndrome. Identifiers: Orphanet 144, MedGen C4552100, MONDO:0005835. Disease mechanism: loss of function.
Hereditary nonpolyposis colorectal neoplasms. Identifiers: MedGen C0009405, MeSH D003123.

Submissions (4):

Labcorp Genetics (formerly Invitae), Labcorp
Classification: Likely benign for Hereditary nonpolyposis colorectal neoplasms. Last evaluated: 2025-01-06. Review status: criteria provided, single submitter. Criteria: Invitae Variant Classification Sherloc (09022015). Collection method: clinical testing. Allele origin: germline.

Ambry Genetics
Classification: Uncertain significance for Hereditary cancer-predisposing syndrome. Last evaluated: 2024-08-13. Review status: criteria provided, single submitter. Criteria: Ambry Variant Classification Scheme 2023. Collection method: clinical testing. Allele origin: germline.
Comment: The c.3647-3C>T intronic variant results from a C to T substitution 3 nucleotides upstream from coding exon 8 in the MSH6 gene. This nucleotide position is not well conserved in available vertebrate species. In silico splice site analysis predicts that this alteration will not have any significant effect on splicing; however, direct evidence is insufficient at this time (Ambry internal data). Since supporting evidence is limited at this time, the clinical significance of this alteration remains unclear.

All of Us Research Program, National Institutes of Health
Classification: Uncertain significance for Lynch syndrome. Last evaluated: 2023-05-04. Review status: criteria provided, single submitter. Criteria: ACMG Guidelines, 2015. Collection method: clinical testing. Allele origin: germline. Inheritance: Autosomal dominant inheritance. Observed: 1 variant allele, 1 heterozygote.
Comment: This variant causes a C to T nucleotide substitution at the -3 position of intron 7 of the MSH6 gene. To our knowledge, functional studies have not been reported for this variant. This variant has not been reported in individuals affected with MSH6-related disorders in the literature. This variant has not been identified in the general population by the Genome Aggregation Database (gnomAD). The available evidence is insufficient to determine the role of this variant in disease conclusively. Therefore, this variant is classified as a Variant of Uncertain Significance.

This study involves interpretation of variants in research participants for the purpose of population health screening. Participant phenotype was not available at the time of variant classification. Additional details can be found in publication PMID: 35346344, PMCID: PMC8962531

Illumina Laboratory Services, Illumina
Classification: Uncertain significance for Lynch syndrome 5. Last evaluated: 2018-01-13. Review status: criteria provided, single submitter. Criteria: ICSL Variant Classification Criteria 13 December 2019. Collection method: clinical testing. Allele origin: germline.

NM_000179.3(MSH6):c.3647-3C>T

Gene: MSH6 (mutS homolog 6; plus strand). Cytogenetic location: 2p16.3.
Variant type: single nucleotide variant.
Coding change: c.3647-3C>T on transcript NM_000179.3 (MANE Select); 3 bases into the intron before coding-DNA position 3647, C replaced by T.
Molecular consequence: intron variant.
Genome position (GRCh38, 1-based): chr2:47,806,201, C>T. VCF-style: chr2-47806201-C-T. GRCh37 (hg19) VCF-style: chr2-48033340-C-T.
Other names: c.2741-3C>T (NM_001281493.2, NM_001281494.2); c.3257-3C>T (NM_001281492.2).
Identifiers: ClinVar variation 479903 (VCV000479903.20), dbSNP rs1553332959, ClinGen allele CA658655730.